The following is an entry in ClinVar:

ClinVar aggregate classification (germline): Uncertain significance (1 of 4 stars; one submission).

Conditions:
Ullrich congenital muscular dystrophy 2 (UCMD2). Identifiers: Orphanet 75840, MedGen C4225314, MONDO:0014654, OMIM 616470.
Bethlem myopathy 2 (BTHLM2). Identifiers: Orphanet 536516, Orphanet 610, MedGen C4225313, MONDO:0034022, OMIM 616471.

Submission:

Labcorp Genetics (formerly Invitae), Labcorp
Classification: Uncertain significance for Bethlem myopathy 2; Ullrich congenital muscular dystrophy 2. Last evaluated: 2024-01-18. Review status: criteria provided, single submitter. Criteria: Invitae Variant Classification Sherloc (09022015). Collection method: clinical testing. Allele origin: germline.
Comment: This sequence change replaces leucine, which is neutral and non-polar, with phenylalanine, which is neutral and non-polar, at codon 81 of the COL12A1 protein (p.Leu81Phe). This variant is not present in population databases (gnomAD no frequency). This variant has not been reported in the literature in individuals affected with COL12A1-related conditions. Advanced modeling of protein sequence and biophysical properties (such as structural, functional, and spatial information, amino acid conservation, physicochemical variation, residue mobility, and thermodynamic stability) performed at Invitae indicates that this missense variant is not expected to disrupt COL12A1 protein function with a negative predictive value of 80%. Algorithms developed to predict the effect of sequence changes on RNA splicing suggest that this variant may create or strengthen a splice site. In summary, the available evidence is currently insufficient to determine the role of this variant in disease. Therefore, it has been classified as a Variant of Uncertain Significance.

NM_004370.6(COL12A1):c.243G>T (p.Leu81Phe)

Gene: COL12A1 (collagen type XII alpha 1 chain; minus strand). Cytogenetic location: 6q13.
Variant type: single nucleotide variant.
Coding change: c.243G>T on transcript NM_004370.6 (MANE Select); coding-DNA position 243, G replaced by T.
Protein change: p.Leu81Phe; replaces leucine 81 with phenylalanine.
Molecular consequence: missense variant. On other transcripts: intron variant (2).
Genome position (GRCh38, 1-based): chr6:75,192,303, C>A on the plus strand (G>T on the coding strand, the complement: COL12A1 is on the minus strand). VCF-style: chr6-75192303-C-A. GRCh37 (hg19) VCF-style: chr6-75902019-C-A.
Other names: c.243G>T, p.Leu81Phe (NM_001424113.1, NM_001424114.1, NM_001424115.1); c.73+10417G>T (NM_001424116.1, NM_080645.3); short protein forms L81F.
Identifiers: ClinVar variation 2942243 (VCV002942243.3), dbSNP rs1170428200, ClinGen allele CA364731083.